The following is an entry in ClinVar:

ClinVar aggregate classification (germline): Uncertain significance (1 of 4 stars; one submission).

Conditions:
Developmental and epileptic encephalopathy, 11 (DEE11). Also called: Early infantile epileptic encephalopathy 11. Identifiers: Orphanet 1934, MedGen C3150987, MONDO:0013388, OMIM 613721.
Seizures, benign familial infantile, 3 (BFIS3). Also called: CONVULSIONS, BENIGN FAMILIAL INFANTILE, 3; Familial neonatal seizures. Identifiers: Orphanet 140927, Orphanet 306, MedGen C1843140, MONDO:0011904, OMIM 607745.

Submission:

Labcorp Genetics (formerly Invitae), Labcorp
Classification: Uncertain significance for Seizures, benign familial infantile, 3; Developmental and epileptic encephalopathy, 11. Last evaluated: 2025-09-02. Review status: criteria provided, single submitter. Criteria: Invitae Variant Classification Sherloc (09022015). Collection method: clinical testing. Allele origin: germline.
Comment: This sequence change replaces phenylalanine, which is neutral and non-polar, with leucine, which is neutral and non-polar, at codon 288 of the SCN2A protein (p.Phe288Leu). This variant is not present in population databases (gnomAD no frequency). This variant has not been reported in the literature in individuals affected with SCN2A-related conditions. Invitae Evidence Modeling of protein sequence and biophysical properties (such as structural, functional, and spatial information, amino acid conservation, physicochemical variation, residue mobility, and thermodynamic stability) indicates that this missense variant is not expected to disrupt SCN2A protein function with a negative predictive value of 95%. In summary, the available evidence is currently insufficient to determine the role of this variant in disease. Therefore, it has been classified as a Variant of Uncertain Significance.

NM_001040142.2(SCN2A):c.862T>C (p.Phe288Leu)

Gene: SCN2A (sodium voltage-gated channel alpha subunit 2; plus strand). Cytogenetic location: 2q24.3.
Variant type: single nucleotide variant.
Coding change: c.862T>C on transcript NM_001040142.2 (MANE Select); coding-DNA position 862, T replaced by C.
Protein change: p.Phe288Leu; replaces phenylalanine 288 with leucine.
Molecular consequence: missense variant.
Genome position (GRCh38, 1-based): chr2:165,310,487, T>C. VCF-style: chr2-165310487-T-C. GRCh37 (hg19) VCF-style: chr2-166166997-T-C.
Other names: c.862T>C, p.Phe288Leu (NM_001040143.2, NM_001371246.1, NM_001371247.1 and 1 more transcripts); short protein forms F288L.
Identifiers: ClinVar variation 4789333 (VCV004789333.1).